The following is an entry in ClinVar:

ClinVar aggregate classification (germline): Likely benign. Review status: criteria provided, multiple submitters, no conflicts (2 of 4 stars). 2 submissions from 2 submitters: Likely benign (2). Last evaluated 2026-07-21.

Conditions:
AP1S1-related disorder. Also called: AP1S1-related condition.

Allele frequency attached by ClinVar (database versions not stated): gnomAD 0.00003; ExAC 0.00004.
gnomAD v4.1: 105 of 1,612,882 alleles (0.0065%); highest among the groups gnomAD compares: Non-Finnish European, 0.0086%; no homozygotes.

Submissions (2):

PreventionGenetics, part of Exact Sciences
Classification: Likely benign for AP1S1-related condition. Last evaluated: 2026-07-21. Review status: criteria provided, single submitter. Criteria: ACMG Guidelines, 2015. Collection method: clinical testing. Allele origin: germline.
Comment: This variant is classified as likely benign based on ACMG/AMP sequence variant interpretation guidelines (Richards et al. 2015 PMID: 25741868, with internal and published modifications).

Labcorp Genetics (formerly Invitae), Labcorp
Classification: Likely benign. Last evaluated: 2026-01-16. Review status: criteria provided, single submitter. Criteria: Invitae Variant Classification Sherloc (09022015). Collection method: clinical testing. Allele origin: germline.

NM_001283.5(AP1S1):c.405C>T (p.Ile135=)

Gene: AP1S1 (adaptor related protein complex 1 subunit sigma 1; plus strand). Cytogenetic location: 7q22.1.
Variant type: single nucleotide variant.
Coding change: c.405C>T on transcript NM_001283.5 (MANE Select); coding-DNA position 405, C replaced by T.
Protein change: p.Ile135=; no amino-acid change (isoleucine 135 retained).
Molecular consequence: synonymous variant.
Genome position (GRCh38, 1-based): chr7:101,159,172, C>T. VCF-style: chr7-101159172-C-T. GRCh37 (hg19) VCF-style: chr7-100802453-C-T.
Other names: c.405C>T (NM_001283.3).
Identifiers: ClinVar variation 2151512 (VCV002151512.5), dbSNP rs753086282, ClinGen allele CA4406001.